The following is an entry in ClinVar:

NM_032520.5(GNPTG):c.318C>T (p.Gly106=)

Gene: GNPTG (N-acetylglucosamine-1-phosphate transferase subunit gamma; plus strand). Cytogenetic location: 16p13.3.
Variant type: single nucleotide variant.
Coding change: c.318C>T on transcript NM_032520.5 (MANE Select); coding-DNA position 318, C replaced by T.
Protein change: p.Gly106=; no amino-acid change (glycine 106 retained).
Molecular consequence: synonymous variant.
Genome position (GRCh38, 1-based): chr16:1,362,038, C>T. VCF-style: chr16-1362038-C-T. GRCh37 (hg19) VCF-style: chr16-1412039-C-T.
Identifiers: ClinVar variation 990361 (VCV000990361.4), dbSNP rs770716391, ClinGen allele CA7807635.

ClinVar aggregate classification (germline): Uncertain significance. Review status: criteria provided, single submitter (1 of 4 stars). 2 submissions from 2 submitters: Uncertain significance (1). 1 of the submissions does not count toward it. Last evaluated 2021-09-10.

Conditions:
GNPTG-mucolipidosis. Also called: ML III GAMMA; ML IIIC; Mucolipidosis type III gamma; MUCOLIPIDOSIS III, COMPLEMENTATION GROUP C; MUCOLIPIDOSIS III, IRANIAN VARIANT FORM; MUCOLIPIDOSIS III, VARIANT FORM. Identifiers: Orphanet 423470, Orphanet 577, MedGen C1854896, MONDO:0009652, OMIM 252605.

Allele frequency attached by ClinVar (database versions not stated): gnomAD exomes below 0.00001; ExAC 0.00001; TOPMed 0.00001.
gnomAD v4.1: 5 of 1,612,786 alleles (0.00031%); highest among the groups gnomAD compares: South Asian, 0.0022%; no homozygotes.

Submissions (2):

Labcorp Genetics (formerly Invitae), Labcorp
Classification: Uncertain significance. Last evaluated: 2021-09-10. Review status: criteria provided, single submitter. Criteria: Invitae Variant Classification Sherloc (09022015). Collection method: clinical testing. Allele origin: germline.
Comment: This sequence change affects codon 106 of the GNPTG mRNA. It is a 'silent' change, meaning that it does not change the encoded amino acid sequence of the GNPTG protein. It affects a nucleotide within the consensus splice site of the intron. The frequency data for this variant in the population databases is considered unreliable, as metrics indicate poor data quality at this position in the ExAC database. This variant has not been reported in the literature in individuals affected with GNPTG-related conditions. ClinVar contains an entry for this variant (Variation ID: 990361). Algorithms developed to predict the effect of sequence changes on RNA splicing suggest that this variant is not likely to affect RNA splicing. In summary, the available evidence is currently insufficient to determine the role of this variant in disease. Therefore, it has been classified as a Variant of Uncertain Significance.

Natera, Inc.
Classification: Uncertain significance for Mucolipidosis III gamma. Last evaluated: 2020-04-24. Review status: no assertion criteria provided. Collection method: clinical testing. Allele origin: germline. Not counted in ClinVar's aggregate classification.